The following is an entry in ClinVar:

ClinVar aggregate classification (germline): Pathogenic/Likely pathogenic. Review status: criteria provided, multiple submitters, no conflicts (2 of 4 stars). 5 submissions from 5 submitters: Pathogenic (4); Likely pathogenic (1). Last evaluated 2025-03-31.

Conditions:
ABCA4-related retinopathy. Also called: ABCA4-related retinoapthy; ABCA4 retinoapthy. Identifiers: MedGen CN322612, MONDO:0800406.
Cone-rod dystrophy 3 (CORD3). Identifiers: Orphanet 1872, MedGen C1858806, MONDO:0011395, OMIM 604116.
Age related macular degeneration 2. Also called: MACULOPATHY, AGE-RELATED; MACULAR DEGENERATION, SENILE; MACULOPATHY, AGE-RELATED, 2. Identifiers: MedGen C3495438, MONDO:0007932, OMIM 153800.
Retinitis pigmentosa 19 (RP19). Also called: ABCA4-Related Retinitis Pigmentosa. Identifiers: Orphanet 791, MedGen C1866422, MONDO:0011137, OMIM 601718.
Severe early-childhood-onset retinal dystrophy (STGD1). Also called: Stargardt macular dystrophy; Juvenile onset macular degeneration; Stargardt disease 1; MACULAR DYSTROPHY WITH FLECKS, TYPE 1; STGD. Identifiers: Orphanet 364055, Orphanet 827, MedGen C1855465, MeSH D000080362, MONDO:0009549, OMIM 248200.
Retinitis pigmentosa (RP). Identifiers: Orphanet 791, MedGen C0035334, MeSH D012174, MONDO:0019200, OMIM 268000. Inheritance: Autosomal dominant, autosomal recessive and X linked inheritance.
ABCA4-related disorder. Also called: ABCA4-related disorders; ABCA4-related condition. Identifiers: MedGen CN239167.

Submissions (5):

Division of Genetic & Genomic Pathology, Hong Kong Children's Hospital
Classification: Likely pathogenic for ABCA4-related retinopathy. Last evaluated: 2025-03-31. Review status: criteria provided, single submitter. Criteria: ACMG Guidelines, 2015. Collection method: clinical testing. Allele origin: germline. Affected: yes.
Comment: ABCA4 c.101_106del p.(Ser34_Leu35del) causes an in-frame deletion of 2 amino acid residues in exon 2. The variant is only present in East Asians at a low frequency in control populations (gnomAD v2.1.1 East Asian: total 5 in 18,390 alleles; gnomAD v4.1.0 East Asian: 4 in 44,886 alleles). It has been detected in both homozygote state and in trans with other (likely) pathogenic variants in multiple patients with ABCA4-related retinopathy (ClinVar accession: VCV001457719.6; PMID: 26780318, 31543898 and 33608557). For these reasons, the variant is classified as likely pathogenic. This variant is inherited in trans with a missense variant.

Women's Health and Genetics/Laboratory Corporation of America, LabCorp
Classification: Pathogenic for Retinitis pigmentosa. Last evaluated: 2024-09-12. Review status: criteria provided, single submitter. Criteria: LabCorp Variant Classification Summary - May 2015. Collection method: clinical testing. Allele origin: germline.
Comment: Variant summary: ABCA4 c.101_106delCTTTAT (p.Ser34_Leu35del) results in an in-frame deletion that is predicted to remove two amino acids from the encoded protein. The variant allele was found at a frequency of 2e-05 in 251390 control chromosomes. c.101_106delCTTTAT has been reported in the literature in multiple compound heterozygous and homozygous individuals affected with Stargardt Disease (e.g. Jiang_2016). These data indicate that the variant is very likely to be associated with disease. To our knowledge, no experimental evidence demonstrating an impact on protein function has been reported. The following publication has been ascertained in the context of this evaluation (PMID: 26780318). ClinVar contains an entry for this variant (Variation ID: 1457719). Based on the evidence outlined above, the variant was classified as pathogenic.

Labcorp Genetics (formerly Invitae), Labcorp
Classification: Pathogenic. Last evaluated: 2024-02-16. Review status: criteria provided, single submitter. Criteria: Invitae Variant Classification Sherloc (09022015). Collection method: clinical testing. Allele origin: germline.
Comment: This variant, c.101_106del, results in the deletion of 2 amino acid(s) of the ABCA4 protein (p.Ser34_Leu35del), but otherwise preserves the integrity of the reading frame. This variant is present in population databases (rs745925619, gnomAD 0.03%). This variant has been observed in individual(s) with Stargardt disease or retinitis pigmentosa (PMID: 25412400, 26780318, 29641573). In at least one individual the data is consistent with being in trans (on the opposite chromosome) from a pathogenic variant. This variant is also known as p.Leu34_Tyr35del. Experimental studies and prediction algorithms are not available or were not evaluated, and the functional significance of this variant is currently unknown. For these reasons, this variant has been classified as Pathogenic.

Blueprint Genetics
Classification: Pathogenic for ABCA4-related disorders. Last evaluated: 2019-11-04. Review status: criteria provided, single submitter. Criteria: ACMG Guidelines, 2015. Collection method: clinical testing. Allele origin: germline. Affected: yes. Observed: 4 variant alleles.

Juno Genomics, Hangzhou Juno Genomics, Inc
Classification: Pathogenic for Retinitis pigmentosa 19; Severe early-childhood-onset retinal dystrophy; Age related macular degeneration 2; Cone-rod dystrophy 3. Review status: criteria provided, single submitter. Criteria: ACMG Guidelines, 2015. Collection method: clinical testing. Allele origin: germline.
Comment: Absent from controls (or at extremely low frequency if recessive) in Genome Aggregation Database.;Protein length changes due to in-frame deletions/insertions in a non-repeat region or stop-loss variants.;For recessive disorders, detected in trans with a pathogenic variant.

Literature cited by the submitters: PubMed 26780318 (cited by 3 submitters); PubMed 31543898 (cited by Division of Genetic & Genomic Pathology, Hong Kong Children's Hospital); PubMed 33608557 (cited by Division of Genetic & Genomic Pathology, Hong Kong Children's Hospital); PubMed 25412400 (cited by Labcorp Genetics (formerly Invitae), Labcorp); PubMed 29641573 (cited by Labcorp Genetics (formerly Invitae), Labcorp).

NM_000350.3(ABCA4):c.95CTTTAT[1] (p.Ser34_Leu35del)

Gene: ABCA4 (ATP binding cassette subfamily A member 4; minus strand). Cytogenetic location: 1p22.1.
Variant type: Microsatellite.
Coding change: c.95CTTTAT[1] on transcript NM_000350.3 (MANE Select); one copy of the 6-base unit CTTTAT starting at c.95; the reference has two copies in a row; one copy, 6 bases deleted; also written c.101_106del.
Protein change: p.Ser34_Leu35del.
Molecular consequence: inframe deletion. On other transcripts: inframe indel (1).
Genome position (GRCh38, 1-based): chr1:94,113,027-94,113,032, ATAAAG deleted on the plus strand (CTTTAT on the coding strand, the reverse complement: ABCA4 is on the minus strand); deleting any 6 consecutive bases within chr1:94,113,027-94,113,038 gives the same sequence; the position shown is the placement nearest the transcript's 3' end. VCF-style (leftmost placement, unchanged base first): chr1-94113026-AATAAAG-A. GRCh37 (hg19) VCF-style: chr1-94578582-AATAAAG-A.
Other names: c.95_100CTTTAT[1], p.Ser34_Leu35del (NM_001425324.1); c.101_106delCTTTAT (NM_000350.3); c.101_106del (NM_000350.3).
Identifiers: ClinVar variation 1457719 (VCV001457719.13), dbSNP rs745925619, ClinGen allele CA958933.